The following is an entry in ClinVar:

NM_000091.5(COL4A3):c.3410G>A (p.Gly1137Asp)

Genes: COL4A3 (collagen type IV alpha 3 chain; plus strand), MFF-DT (MFF divergent transcript; minus strand). Cytogenetic location: 2q36.3.
Variant type: single nucleotide variant.
Coding change: c.3410G>A on transcript NM_000091.5 (MANE Select); coding-DNA position 3410, G replaced by A.
Protein change: p.Gly1137Asp; replaces glycine 1137 with aspartic acid.
Molecular consequence: missense variant.
Genome position (GRCh38, 1-based): chr2:227,294,562, G>A. VCF-style: chr2-227294562-G-A. GRCh37 (hg19) VCF-style: chr2-228159278-G-A.
Other names: short protein forms G1137D.
Identifiers: ClinVar variation 222052 (VCV000222052.2), dbSNP rs869025327, ClinGen allele CA352313.

ClinVar aggregate classification (germline): Pathogenic/Likely pathogenic. Review status: criteria provided, multiple submitters, no conflicts (2 of 4 stars). 2 submissions from 2 submitters: Pathogenic (1); Likely pathogenic (1). Last evaluated 2025-09-10.

Conditions:
Benign familial hematuria. Also called: thin basement membrane disease. Identifiers: MedGen C0241908, MONDO:0957317.
Alport syndrome. Also called: Hemorrhagic familial nephritis; Hemorrhagic hereditary nephritis; Congenital hereditary hematuria. Identifiers: Orphanet 63, MedGen C1567741, MONDO:0018965.

Submissions (2):

Natera, Inc.
Classification: Likely pathogenic for Alport syndrome. Last evaluated: 2025-09-10. Review status: criteria provided, single submitter. Criteria: Natera Variant Classification Schema (03/2026). Collection method: clinical testing. Allele origin: germline.
Comment: The c.3410G>A variant in COL4A3 is a missense variant predicted to cause substitution of glycine to aspartic acid at amino acid 1137. This variant is rare in the general population with a frequency below the threshold expected for the associated phenotype(s). This variant is located in a functionally critical region of the protein. Computational prediction algorithms indicate this variant is likely to affect gene or protein function. Given the available evidence, this variant is classified as Likely Pathogenic.

Genetic Diagnostic Laboratory, University of Szeged
Classification: Pathogenic for Hematuria, benign familial, 1. Last evaluated: 2016-02-02. Review status: criteria provided, single submitter. Criteria: Genetic Diagnostic Assertion Criteria ver.1 Jan.2016. Collection method: clinical testing. Allele origin: inherited. Affected: yes. Observed: 3 variant alleles.